The following is an entry in ClinVar:

ClinVar aggregate classification (germline): Uncertain significance (1 of 4 stars; one submission).

Conditions:
RASopathy. Also called: rasopathies; Noonan spectrum disorder. Identifiers: Orphanet 536391, MedGen C5555857, MONDO:0021060.

Submission:

Labcorp Genetics (formerly Invitae), Labcorp
Classification: Uncertain significance for RASopathy. Last evaluated: 2022-05-12. Review status: criteria provided, single submitter. Criteria: Invitae Variant Classification Sherloc (09022015). Collection method: clinical testing. Allele origin: germline.
Comment: This sequence change replaces proline, which is neutral and non-polar, with alanine, which is neutral and non-polar, at codon 1080 of the SOS1 protein (p.Pro1080Ala). This variant is not present in population databases (gnomAD no frequency). This variant has not been reported in the literature in individuals affected with SOS1-related conditions. Algorithms developed to predict the effect of missense changes on protein structure and function are either unavailable or do not agree on the potential impact of this missense change (SIFT: "Tolerated"; PolyPhen-2: "Probably Damaging"; Align-GVGD: "Class C0"). In summary, the available evidence is currently insufficient to determine the role of this variant in disease. Therefore, it has been classified as a Variant of Uncertain Significance.

NM_005633.4(SOS1):c.3238C>G (p.Pro1080Ala)

Gene: SOS1 (SOS Ras/Rac guanine nucleotide exchange factor 1; minus strand). Cytogenetic location: 2p22.1.
Variant type: single nucleotide variant.
Coding change: c.3238C>G on transcript NM_005633.4 (MANE Select); coding-DNA position 3238, C replaced by G.
Protein change: p.Pro1080Ala; replaces proline 1080 with alanine.
Molecular consequence: missense variant.
Genome position (GRCh38, 1-based): chr2:38,995,231, G>C on the plus strand (C>G on the coding strand, the complement: SOS1 is on the minus strand). VCF-style: chr2-38995231-G-C. GRCh37 (hg19) VCF-style: chr2-39222372-G-C.
Other names: c.3217C>G, p.Pro1073Ala (NM_001382394.1); c.3238C>G, p.Pro1080Ala (NM_001382395.1); short protein forms P1073A, P1080A.
Identifiers: ClinVar variation 1934838 (VCV001934838.5), dbSNP rs771728760, ClinGen allele CA346360666.